The following is an entry in ClinVar:

NM_000051.4(ATM):c.566G>C (p.Arg189Thr)

Gene: ATM (ATM serine/threonine kinase; plus strand). Cytogenetic location: 11q22.3.
Variant type: single nucleotide variant.
Coding change: c.566G>C on transcript NM_000051.4 (MANE Select); coding-DNA position 566, G replaced by C.
Protein change: p.Arg189Thr; replaces arginine 189 with threonine.
Molecular consequence: missense variant.
Genome position (GRCh38, 1-based): chr11:108,244,022, G>C. VCF-style: chr11-108244022-G-C. GRCh37 (hg19) VCF-style: chr11-108114749-G-C.
Other names: c.566G>C, p.Arg189Thr (NM_001351834.2); short protein forms R189T.
Identifiers: ClinVar variation 186308 (VCV000186308.15), dbSNP rs79075295, ClinGen allele CA194428.

ClinVar aggregate classification (germline): Uncertain significance. Review status: criteria provided, multiple submitters, no conflicts (2 of 4 stars). 2 submissions from 2 submitters: Uncertain significance (2). Last evaluated 2025-04-27.

Conditions:
Hereditary cancer-predisposing syndrome. Also called: Hereditary Cancer Syndrome; Neoplastic Syndromes, Hereditary; Tumor predisposition; Hereditary neoplastic syndrome. Identifiers: Orphanet 140162, MedGen C0027672, MeSH D009386, MONDO:0015356.
Ataxia-telangiectasia syndrome (AT). Also called: Ataxia-telangiectasia, complementation group D; AT, COMPLEMENTATION GROUP C; ATAXIA-TELANGIECTASIA, COMPLEMENTATION GROUP A; ATAXIA-TELANGIECTASIA, FRESNO VARIANT; Ataxia-telangiectasia; LOUIS-BAR SYNDROME. Identifiers: Orphanet 100, MedGen C0004135, MONDO:0008840, OMIM 208900.

Allele frequency attached by ClinVar (database versions not stated): gnomAD exomes below 0.00001; TOPMed below 0.00001; gnomAD 0.00001.
gnomAD v4.1: 2 of 1,608,144 alleles (0.00012%); highest among the groups gnomAD compares: Non-Finnish European, 0.00017%; no homozygotes.

Submissions (2):

Labcorp Genetics (formerly Invitae), Labcorp
Classification: Uncertain significance for Ataxia-telangiectasia syndrome. Last evaluated: 2025-04-27. Review status: criteria provided, single submitter. Criteria: Invitae Variant Classification Sherloc (09022015). Collection method: clinical testing. Allele origin: germline.
Comment: This sequence change replaces arginine, which is basic and polar, with threonine, which is neutral and polar, at codon 189 of the ATM protein (p.Arg189Thr). This variant is present in population databases (rs79075295, gnomAD 0.001%). This variant has not been reported in the literature in individuals affected with ATM-related conditions. ClinVar contains an entry for this variant (Variation ID: 186308). Invitae Evidence Modeling of protein sequence and biophysical properties (such as structural, functional, and spatial information, amino acid conservation, physicochemical variation, residue mobility, and thermodynamic stability) indicates that this missense variant is not expected to disrupt ATM protein function with a negative predictive value of 95%. In summary, the available evidence is currently insufficient to determine the role of this variant in disease. Therefore, it has been classified as a Variant of Uncertain Significance.

Ambry Genetics
Classification: Uncertain significance for Hereditary cancer-predisposing syndrome. Last evaluated: 2024-08-27. Review status: criteria provided, single submitter. Criteria: Ambry Variant Classification Scheme 2023. Collection method: clinical testing. Allele origin: germline.
Comment: The p.R189T variant (also known as c.566G>C), located in coding exon 5 of the ATM gene, results from a G to C substitution at nucleotide position 566. The arginine at codon 189 is replaced by threonine, an amino acid with similar properties. This amino acid position is highly conserved in available vertebrate species. In addition, this alteration is predicted to be deleterious by in silico analysis. Based on the available evidence, the clinical significance of this variant remains unclear.

Literature cited by the submitters: PubMed 25186627 (cited by Ambry Genetics); PubMed 27153395 (cited by Ambry Genetics).